The following is an entry in ClinVar:

NM_000257.4(MYH7):c.1217_1218del (p.Val406fs)

Gene: MYH7 (myosin heavy chain 7; minus strand). Cytogenetic location: 14q11.2.
Variant type: Deletion.
Coding change: c.1217_1218del on transcript NM_000257.4 (MANE Select); coding-DNA positions 1217 to 1218, 2 bases deleted (TG; older notation c.1217_1218delTG).
Protein change: p.Val406fs; shifts the reading frame from valine 406.
Molecular consequence: frameshift variant.
Genome position (GRCh38, 1-based): chr14:23,429,268-23,429,269, CA deleted on the plus strand (TG on the coding strand, the reverse complement: MYH7 is on the minus strand); deleting any 2 consecutive bases within chr14:23,429,268-23,429,270 gives the same sequence; the c. name uses the placement nearest the transcript's 3' end. VCF-style (leftmost placement, unchanged base first): chr14-23429267-CCA-C. GRCh37 (hg19) VCF-style: chr14-23898476-CCA-C.
Other names: c.1217_1218delTG (NM_000257.4); short protein forms V406fs.
Identifiers: ClinVar variation 982426 (VCV000982426.6), dbSNP rs1892824277, ClinGen allele CA1139663372.
Genomic context (GRCh38, chr14:23,429,267, plus strand): 5'-TATCATCTGAAGATGGACCCACCTGCTGGACATTCTGCCCCTTGGTGACGTACTCATTGC[CCA>C]CTTTCACCCGAGGGTGGCACAGCCCCTTGAGCAGGTCGGCTGAGTTCAGCCCCATGAGGT-3'

ClinVar aggregate classification (germline): Uncertain significance. Review status: criteria provided, multiple submitters, no conflicts (2 of 4 stars). 2 submissions from 2 submitters: Uncertain significance (2). Last evaluated 2021-04-16.

Conditions:
Hypertrophic cardiomyopathy. Also called: HYPERTROPHIC MYOCARDIOPATHY. Identifiers: Orphanet 217569, MedGen C0007194, MeSH D002312, MONDO:0005045, HP:0001639.
Hypertrophic cardiomyopathy 1 (CMH1). Also called: Familial hypertrophic cardiomyopathy 1; MYH7-Related Familial Hypertrophic Cardiomyopathy. Identifiers: MedGen C3495498, MONDO:0008647, OMIM 192600.

Submissions (2):

Labcorp Genetics (formerly Invitae), Labcorp
Classification: Uncertain significance for Hypertrophic cardiomyopathy. Last evaluated: 2021-04-16. Review status: criteria provided, single submitter. Criteria: Invitae Variant Classification Sherloc (09022015). Collection method: clinical testing. Allele origin: germline.
Comment: Algorithms developed to predict the effect of sequence changes on RNA splicing suggest that this variant may create or strengthen a splice site, but this prediction has not been confirmed by published transcriptional studies. This sequence change creates a premature translational stop signal (p.Val406Glyfs*3) in the MYH7 gene. It is expected to result in an absent or disrupted protein product. However, the current clinical and genetic evidence is not sufficient to establish whether loss-of-function variants in MYH7 cause disease. This variant is not present in population databases (ExAC no frequency). This variant has not been reported in the literature in individuals with MYH7-related conditions. ClinVar contains an entry for this variant (Variation ID: 982426). In summary, the available evidence is currently insufficient to determine the role of this variant in disease. Therefore, it has been classified as a Variant of Uncertain Significance.

HudsonAlpha Institute for Biotechnology
Classification: Uncertain significance for Hypertrophic cardiomyopathy 1. Last evaluated: 2020-09-03. Review status: criteria provided, single submitter. Criteria: ACMG Guidelines, 2015. Collection method: research. Allele origin: maternal. Observed: 1 variant allele. Study: CSER-SouthSeq.
Comment: ACMG codes:PVS1_M, PM2